The following is an entry in ClinVar:

ClinVar aggregate classification (germline): Uncertain significance (1 of 4 stars; one submission).

Submission:

Labcorp Genetics (formerly Invitae), Labcorp
Classification: Uncertain significance. Last evaluated: 2023-12-09. Review status: criteria provided, single submitter. Criteria: Invitae Variant Classification Sherloc (09022015). Collection method: clinical testing. Allele origin: germline.
Comment: This sequence change replaces alanine, which is neutral and non-polar, with glycine, which is neutral and non-polar, at codon 984 of the RAI1 protein (p.Ala984Gly). This variant is not present in population databases (gnomAD no frequency). This variant has not been reported in the literature in individuals affected with RAI1-related conditions. Advanced modeling of protein sequence and biophysical properties (such as structural, functional, and spatial information, amino acid conservation, physicochemical variation, residue mobility, and thermodynamic stability) performed at Invitae indicates that this missense variant is not expected to disrupt RAI1 protein function with a negative predictive value of 80%. In summary, the available evidence is currently insufficient to determine the role of this variant in disease. Therefore, it has been classified as a Variant of Uncertain Significance.

NM_030665.4(RAI1):c.2951C>G (p.Ala984Gly)

Gene: RAI1 (retinoic acid induced 1; plus strand). Cytogenetic location: 17p11.2.
Variant type: single nucleotide variant.
Coding change: c.2951C>G on transcript NM_030665.4 (MANE Select); coding-DNA position 2951, C replaced by G.
Protein change: p.Ala984Gly; replaces alanine 984 with glycine.
Molecular consequence: missense variant.
Genome position (GRCh38, 1-based): chr17:17,795,899, C>G. VCF-style: chr17-17795899-C-G. GRCh37 (hg19) VCF-style: chr17-17699213-C-G.
Other names: short protein forms A984G.
Identifiers: ClinVar variation 2701735 (VCV002701735.3), dbSNP rs371644042, ClinGen allele CA398552486.